The following is an entry in ClinVar:

NM_001267550.2(TTN):c.104269C>T (p.Gln34757Ter)

Genes: TTN (titin; minus strand), TTN-AS1 (TTN antisense RNA 1; plus strand). Cytogenetic location: 2q31.2.
Variant type: single nucleotide variant.
Coding change: c.104269C>T on transcript NM_001267550.2 (MANE Select); coding-DNA position 104269, C replaced by T.
Protein change: p.Gln34757Ter; replaces glutamine 34757 with a stop codon.
Molecular consequence: nonsense.
Genome position (GRCh38, 1-based): chr2:178,532,346, G>A on the plus strand (C>T on the coding strand, the complement: TTN is on the minus strand). VCF-style: chr2-178532346-G-A. GRCh37 (hg19) VCF-style: chr2-179397073-G-A.
Other names: c.99346C>T, p.Gln33116Ter (NM_001256850.1); c.77074C>T, p.Gln25692Ter (NM_003319.4); c.96565C>T, p.Gln32189Ter (NM_133378.4); c.77449C>T, p.Gln25817Ter (NM_133432.3); c.77650C>T, p.Gln25884Ter (NM_133437.4); short protein forms Q25817*, Q33116*, Q25692*, Q25884*, Q34757*, Q32189*.
Identifiers: ClinVar variation 1470069 (VCV001470069.8), dbSNP rs2154134221, ClinGen allele CA349412112.

ClinVar aggregate classification (germline): Pathogenic (1 of 4 stars; one submission).

Conditions:
Dilated cardiomyopathy 1G (CMD1G). Identifiers: Orphanet 154, MedGen C1858763, MONDO:0011400, OMIM 604145.
Autosomal recessive limb-girdle muscular dystrophy type 2J (LGMDR10). Also called: Limb-girdle muscular dystrophy, type 2J; MUSCULAR DYSTROPHY, LIMB-GIRDLE, AUTOSOMAL RECESSIVE 10. Identifiers: Orphanet 140922, MedGen C1837342, MONDO:0012127, OMIM 608807.

Submission:

Labcorp Genetics (formerly Invitae), Labcorp
Classification: Pathogenic for Dilated cardiomyopathy 1G; Autosomal recessive limb-girdle muscular dystrophy type 2J. Last evaluated: 2023-12-06. Review status: criteria provided, single submitter. Criteria: Invitae Variant Classification Sherloc (09022015). Collection method: clinical testing. Allele origin: germline.
Comment: This sequence change creates a premature translational stop signal (p.Gln34757*) in the TTN gene. While this is not anticipated to result in nonsense mediated decay, it is expected to create a truncated TTN protein. This variant is not present in population databases (gnomAD no frequency). This premature translational stop signal has been observed in individuals with dilated cardiomyopathy and/or autosomal recessive limb-girdle muscular dystrophy (PMID: 34036930; Invitae). ClinVar contains an entry for this variant (Variation ID: 1470069). This variant is located in the M band of TTN (PMID: 25589632). Truncating variants in this region have been previously reported in individuals affected with autosomal recessive myopathy and muscular dystrophy (PMID: 18948003, 23975875, 24395473). Truncating variants in this region have also been identified in individuals affected with autosomal dominant dilated cardiomyopathy and/or cardio-related conditions (PMID: 27869827, 32964742). For these reasons, this variant has been classified as Pathogenic.

Literature cited by the submitters: PubMed 34036930; PubMed 25589632; PubMed 18948003; PubMed 23975875; PubMed 24395473; PubMed 27869827; PubMed 32964742.